The following is an entry in ClinVar:

NM_001145026.2(PTPRQ):c.1133C>A (p.Thr378Asn)

Gene: PTPRQ (protein tyrosine phosphatase receptor type Q; plus strand). Cytogenetic location: 12q21.31.
Variant type: single nucleotide variant.
Coding change: c.1133C>A on transcript NM_001145026.2 (MANE Select); coding-DNA position 1133, C replaced by A.
Protein change: p.Thr378Asn; replaces threonine 378 with asparagine.
Molecular consequence: missense variant.
Genome position (GRCh38, 1-based): chr12:80,472,198, C>A. VCF-style: chr12-80472198-C-A. GRCh37 (hg19) VCF-style: chr12-80865977-C-A.
Other names: short protein forms T378N.
Identifiers: ClinVar variation 1064973 (VCV001064973.3), dbSNP rs2120546591, ClinGen allele CA385881515.

ClinVar aggregate classification (germline): Uncertain significance (1 of 4 stars; one submission).

Conditions:
Hearing impairment. Also called: Impaired Hearing. Identifiers: MedGen C1384666, MONDO:0005365, HP:0000365.

Submission:

Department of Otolaryngology – Head & Neck Surgery, Cochlear Implant Center
Classification: Uncertain significance for Hearing impairment. Last evaluated: 2021-04-12. Review status: criteria provided, single submitter. Criteria: ClinGen HL ACMG Specifications v1. Collection method: clinical testing. Allele origin: germline. Affected: yes.
Comment: PM2_Moderate, BP4_Supporting